The following is an entry in ClinVar:

ClinVar aggregate classification (germline): Uncertain significance (1 of 4 stars; one submission).

Conditions:
Adams-Oliver syndrome 5 (AOS5). Identifiers: Orphanet 974, MedGen C4014970, MONDO:0014459, OMIM 616028.

Submission:

Labcorp Genetics (formerly Invitae), Labcorp
Classification: Uncertain significance for Adams-Oliver syndrome 5. Last evaluated: 2025-10-22. Review status: criteria provided, single submitter. Criteria: Invitae Variant Classification Sherloc (09022015). Collection method: clinical testing. Allele origin: germline.
Comment: This sequence change replaces glycine, which is neutral and non-polar, with arginine, which is basic and polar, at codon 1120 of the NOTCH1 protein (p.Gly1120Arg). This variant is not present in population databases (gnomAD no frequency). This variant has not been reported in the literature in individuals affected with NOTCH1-related conditions. Invitae Evidence Modeling of protein sequence and biophysical properties (such as structural, functional, and spatial information, amino acid conservation, physicochemical variation, residue mobility, and thermodynamic stability) indicates that this missense variant is expected to disrupt NOTCH1 protein function with a positive predictive value of 80%. In summary, the available evidence is currently insufficient to determine the role of this variant in disease. Therefore, it has been classified as a Variant of Uncertain Significance.

NM_017617.5(NOTCH1):c.3358G>A (p.Gly1120Arg)

Gene: NOTCH1 (notch receptor 1; minus strand). Cytogenetic location: 9q34.3.
Variant type: single nucleotide variant.
Coding change: c.3358G>A on transcript NM_017617.5 (MANE Select); coding-DNA position 3358, G replaced by A.
Protein change: p.Gly1120Arg; replaces glycine 1120 with arginine.
Molecular consequence: missense variant.
Genome position (GRCh38, 1-based): chr9:136,508,107, C>T on the plus strand (G>A on the coding strand, the complement: NOTCH1 is on the minus strand). VCF-style: chr9-136508107-C-T. GRCh37 (hg19) VCF-style: chr9-139402559-C-T.
Other names: short protein forms G1120R.
Identifiers: ClinVar variation 4745568 (VCV004745568.1).